The following is an entry in ClinVar:

ClinVar aggregate classification (germline): Uncertain significance (1 of 4 stars; one submission).

Allele frequency attached by ClinVar (database versions not stated): gnomAD exomes below 0.00001.
gnomAD v4.1: 5 of 1,613,844 alleles (0.00031%); highest among the groups gnomAD compares: African/African-American, 0.0013%; no homozygotes.

Submission:

Labcorp Genetics (formerly Invitae), Labcorp
Classification: Uncertain significance. Last evaluated: 2023-01-24. Review status: criteria provided, single submitter. Criteria: Invitae Variant Classification Sherloc (09022015). Collection method: clinical testing. Allele origin: germline.
Comment: In summary, the available evidence is currently insufficient to determine the role of this variant in disease. Therefore, it has been classified as a Variant of Uncertain Significance. Advanced modeling of protein sequence and biophysical properties (such as structural, functional, and spatial information, amino acid conservation, physicochemical variation, residue mobility, and thermodynamic stability) performed at Invitae indicates that this missense variant is not expected to disrupt NACC1 protein function. This variant has not been reported in the literature in individuals affected with NACC1-related conditions. This variant is not present in population databases (gnomAD no frequency). This sequence change replaces alanine, which is neutral and non-polar, with valine, which is neutral and non-polar, at codon 382 of the NACC1 protein (p.Ala382Val).

NM_052876.4(NACC1):c.1145C>T (p.Ala382Val)

Gene: NACC1 (nucleus accumbens associated 1; plus strand). Cytogenetic location: 19p13.13.
Variant type: single nucleotide variant.
Coding change: c.1145C>T on transcript NM_052876.4 (MANE Select); coding-DNA position 1145, C replaced by T.
Protein change: p.Ala382Val; replaces alanine 382 with valine.
Molecular consequence: missense variant.
Genome position (GRCh38, 1-based): chr19:13,137,295, C>T. VCF-style: chr19-13137295-C-T. GRCh37 (hg19) VCF-style: chr19-13248109-C-T.
Other names: short protein forms A382V.
Identifiers: ClinVar variation 2907441 (VCV002907441.3), dbSNP rs2019719703, ClinGen allele CA404329133.